The following is an entry in ClinVar:

ClinVar aggregate classification (germline): Pathogenic (1 of 4 stars; one submission).

Allele frequency attached by ClinVar (database versions not stated): gnomAD exomes below 0.00001.
gnomAD v4.1: 1 of 1,614,156 alleles (0.000062%); highest among the groups gnomAD compares: South Asian, 0.0011%; no homozygotes.

Submission:

Labcorp Genetics (formerly Invitae), Labcorp
Classification: Pathogenic. Last evaluated: 2023-12-02. Review status: criteria provided, single submitter. Criteria: Invitae Variant Classification Sherloc (09022015). Collection method: clinical testing. Allele origin: germline.
Comment: This sequence change creates a premature translational stop signal (p.Gln994*) in the SPTB gene. It is expected to result in an absent or disrupted protein product. Loss-of-function variants in SPTB are known to be pathogenic (PMID: 1391962, 1498324, 8844207, 26830532, 27292444). This variant is not present in population databases (gnomAD no frequency). This variant has not been reported in the literature in individuals affected with SPTB-related conditions. For these reasons, this variant has been classified as Pathogenic.

Literature cited by the submitters: PubMed 1391962; PubMed 1498324; PubMed 8844207; PubMed 26830532; PubMed 27292444.

NM_001355436.2(SPTB):c.2980C>T (p.Gln994Ter)

Gene: SPTB (spectrin beta, erythrocytic; minus strand). Cytogenetic location: 14q23.3.
Variant type: single nucleotide variant.
Coding change: c.2980C>T on transcript NM_001355436.2 (MANE Select); coding-DNA position 2980, C replaced by T.
Protein change: p.Gln994Ter; replaces glutamine 994 with a stop codon.
Molecular consequence: nonsense.
Genome position (GRCh38, 1-based): chr14:64,786,985, G>A on the plus strand (C>T on the coding strand, the complement: SPTB is on the minus strand). VCF-style: chr14-64786985-G-A. GRCh37 (hg19) VCF-style: chr14-65253703-G-A.
Other names: c.2980C>T, p.Gln994Ter (NM_001024858.4, NM_001355437.2); short protein forms Q994*.
Identifiers: ClinVar variation 2700402 (VCV002700402.3), dbSNP rs2503131597, ClinGen allele CA390047493.
Genomic context (GRCh38, chr14:64,786,985, plus strand): 5'-GGGCATCCACACGGGCCTGGATGGCGGCCACGTCACGCTCCAGCCCTGACAACTTCCTCT[G>A]GATGGCGATGATACCTGCCAGGTCCCGCCCCAGGTCTTTTGTGGACTCCACTACCTTTGT-3'